The following is an entry in ClinVar:

NM_014141.6(CNTNAP2):c.773_774dup (p.Ile259fs)

Gene: CNTNAP2 (contactin associated protein 2; plus strand). Cytogenetic location: 7q35.
Variant type: Duplication.
Coding change: c.773_774dup on transcript NM_014141.6 (MANE Select); coding-DNA positions 773 to 774, 2 bases duplicated (CC; older notation c.773_774dupCC).
Protein change: p.Ile259fs; shifts the reading frame from isoleucine 259.
Molecular consequence: frameshift variant.
Genome position (GRCh38, 1-based): chr7:147,120,997-147,120,998, CC duplicated; duplicating any 2 consecutive bases within chr7:147,120,995-147,120,998 gives the same sequence; the c. name uses the placement nearest the transcript's 3' end. VCF-style (leftmost placement, unchanged base first): chr7-147120994-G-GCC. GRCh37 (hg19) VCF-style: chr7-146818086-G-GCC.
Other names: short protein forms I259fs.
Identifiers: ClinVar variation 2012580 (VCV002012580.4), dbSNP rs2485901377, ClinGen allele CA2580077646.

ClinVar aggregate classification (germline): Pathogenic (1 of 4 stars; one submission).

Conditions:
Cortical dysplasia-focal epilepsy syndrome (PTHSL1). Also called: Pitt-Hopkins-like syndrome 1. Identifiers: Orphanet 163681, Orphanet 221150, MedGen C2750246, MONDO:0012400, OMIM 610042.

Submission:

Labcorp Genetics (formerly Invitae), Labcorp
Classification: Pathogenic for Cortical dysplasia-focal epilepsy syndrome. Last evaluated: 2022-12-12. Review status: criteria provided, single submitter. Criteria: Invitae Variant Classification Sherloc (09022015). Collection method: clinical testing. Allele origin: germline.
Comment: This variant is not present in population databases (gnomAD no frequency). This sequence change creates a premature translational stop signal (p.Ile259Profs*8) in the CNTNAP2 gene. It is expected to result in an absent or disrupted protein product. Loss-of-function variants in CNTNAP2 are known to be pathogenic (PMID: 19896112, 21827697, 25045150, 26843181, 27439707). This variant has not been reported in the literature in individuals affected with CNTNAP2-related conditions. For these reasons, this variant has been classified as Pathogenic.

Literature cited by the submitters: PubMed 19896112; PubMed 21827697; PubMed 25045150; PubMed 26843181; PubMed 27439707.